The following is an entry in ClinVar:

NM_001378615.1(CC2D2A):c.3472G>A (p.Glu1158Lys)

Genes: CC2D2A (coiled-coil and C2 domain containing 2A; plus strand), FBXL5 (F-box and leucine rich repeat protein 5; minus strand). Cytogenetic location: 4p15.32.
Variant type: single nucleotide variant.
Coding change: c.3472G>A on transcript NM_001378615.1 (MANE Select); coding-DNA position 3472, G replaced by A.
Protein change: p.Glu1158Lys; replaces glutamic acid 1158 with lysine.
Molecular consequence: missense variant.
Genome position (GRCh38, 1-based): chr4:15,569,366, G>A. VCF-style: chr4-15569366-G-A. GRCh37 (hg19) VCF-style: chr4-15570989-G-A.
Other names: c.3472G>A, p.Glu1158Lys (NM_001080522.2); c.3325G>A, p.Glu1109Lys (NM_001378617.1); short protein forms E1109K, E1158K.
Identifiers: ClinVar variation 3061368 (VCV003061368.2), dbSNP rs2475079987, ClinGen allele CA356420384.

ClinVar aggregate classification (germline): Uncertain significance (0 of 4 stars; one submission).

Conditions:
CC2D2A-related disorder. Also called: CC2D2A-related disorders; CC2D2A-related condition. Identifiers: MedGen CN239313.

Submission:

PreventionGenetics, part of Exact Sciences
Classification: Uncertain significance for CC2D2A-related condition. Last evaluated: 2024-02-14. Review status: no assertion criteria provided. Collection method: clinical testing. Allele origin: germline.
Comment: The CC2D2A c.3472G>A variant is predicted to result in the amino acid substitution p.Glu1158Lys. To our knowledge, this variant has not been reported in the literature or in a large population database, indicating this variant is rare. At this time, the clinical significance of this variant is uncertain due to the absence of conclusive functional and genetic evidence.